The following is an entry in ClinVar:

ClinVar aggregate classification (germline): Benign (0 of 4 stars; one submission).

Conditions:
DMXL1-related disorder. Also called: DMXL1-related condition.

Allele frequency attached by ClinVar (database versions not stated): TOPMed 0.00142; ESP Exome Variant Server 0.00154; 1000 Genomes Project 0.00160; gnomAD 0.00171; 1000 Genomes Project 30x 0.00172; ExAC 0.00198.

Submission:

PreventionGenetics, part of Exact Sciences
Classification: Benign for DMXL1-related condition. Last evaluated: 2019-08-13. Review status: no assertion criteria provided. Collection method: clinical testing. Allele origin: germline.
Comment: This variant is classified as benign based on ACMG/AMP sequence variant interpretation guidelines (Richards et al. 2015 PMID: 25741868, with internal and published modifications).

NM_001290321.3(DMXL1):c.3115A>T (p.Ser1039Cys)

Gene: DMXL1 (Dmx like 1; plus strand). Cytogenetic location: 5q23.1.
Variant type: single nucleotide variant.
Coding change: c.3115A>T on transcript NM_001290321.3 (MANE Select); coding-DNA position 3115, A replaced by T.
Protein change: p.Ser1039Cys; replaces serine 1039 with cysteine.
Molecular consequence: missense variant. On other transcripts: non-coding transcript variant (3).
Genome position (GRCh38, 1-based): chr5:119,148,942, A>T. VCF-style: chr5-119148942-A-T. GRCh37 (hg19) VCF-style: chr5-118484637-A-T.
Other names: c.3115A>T, p.Ser1039Cys (NM_001349239.2, NM_001349240.2, NM_001387933.1 and 2 more transcripts); c.2410A>T, p.Ser804Cys (NM_001387937.1); c.2128A>T, p.Ser710Cys (NM_001387938.1); short protein forms S1039C, S710C, S804C.
Identifiers: ClinVar variation 3037232 (VCV003037232.2), dbSNP rs149431940, ClinGen allele CA3379878.